The following is an entry in ClinVar:

ClinVar aggregate classification (germline): Conflicting classifications of pathogenicity. Review status: criteria provided, conflicting classifications (1 of 4 stars). 8 submissions from 8 submitters: Uncertain significance (6); Likely benign (2). Last evaluated 2025-12-06.

Conditions:
MYH6-related disorder. Also called: MYH6-related condition; MYH6-Related Disorders.
Cardiovascular phenotype. Identifiers: MedGen CN230736.
Atrial septal defect 3 (ASD3). Identifiers: Orphanet 1478, MedGen C3279790, MONDO:0013567, OMIM 614089.
Hypertrophic cardiomyopathy 1 (CMH1). Also called: MYH7-Related Familial Hypertrophic Cardiomyopathy; Familial hypertrophic cardiomyopathy 1. Identifiers: MedGen C3495498, MONDO:0008647, OMIM 192600.
Dilated cardiomyopathy 1EE (CMD1EE). Identifiers: Orphanet 154, MedGen C2750466, MONDO:0013198, OMIM 613252.
Sick sinus syndrome 3, susceptibility to (SSS3). Identifiers: Orphanet 166282, MedGen C3279791, MONDO:0013568, OMIM 614090.
Hypertrophic cardiomyopathy 14. Identifiers: MedGen C2750467, MONDO:0013197, OMIM 613251.
Hypertrophic cardiomyopathy. Also called: HYPERTROPHIC MYOCARDIOPATHY. Identifiers: Orphanet 217569, MedGen C0007194, MeSH D002312, MONDO:0005045, HP:0001639.

Allele frequency attached by ClinVar (database versions not stated): TOPMed 0.00007; gnomAD 0.00010.
gnomAD v4.1: 266 of 1,612,636 alleles (0.016%); highest among the groups gnomAD compares: Non-Finnish European, 0.022%; no homozygotes.

Submissions (9):

Labcorp Genetics (formerly Invitae), Labcorp
Classification: Uncertain significance for Hypertrophic cardiomyopathy 14. Last evaluated: 2025-12-06. Review status: criteria provided, single submitter. Criteria: Invitae Variant Classification Sherloc (09022015). Collection method: clinical testing. Allele origin: germline.
Comment: This sequence change replaces arginine, which is basic and polar, with serine, which is neutral and polar, at codon 1116 of the MYH6 protein (p.Arg1116Ser). This variant is present in population databases (rs372446459, gnomAD 0.01%). This missense change has been observed in individual(s) with dilated cardiomyopathy (DCM) and atrial septal defects (ASD) (PMID: 20656787, 30847666, 32880476). ClinVar contains an entry for this variant (Variation ID: 191717). Invitae Evidence Modeling of protein sequence and biophysical properties (such as structural, functional, and spatial information, amino acid conservation, physicochemical variation, residue mobility, and thermodynamic stability) indicates that this missense variant is not expected to disrupt MYH6 protein function with a negative predictive value of 80%. In summary, the available evidence is currently insufficient to determine the role of this variant in disease. Therefore, it has been classified as a Variant of Uncertain Significance.

PreventionGenetics, part of Exact Sciences
Classification: Uncertain significance for MYH6-related condition. Last evaluated: 2025-10-09. Review status: criteria provided, single submitter. Criteria: ACMG Guidelines, 2015. Collection method: clinical testing. Allele origin: germline.
Comment: The MYH6 c.3346C>A variant is predicted to result in the amino acid substitution p.Arg1116Ser. This variant has been reported in individuals with congenital heart defects, hypertrophic cardiomyopathy, or dilated cardiomyopathy (Granados-Riveron et al. 2010. PubMed ID: 20656787; Table S1, Lopes et al. 2014. PubMed ID: 25351510; online supplementary file 2, van Lint et al. 2019. PubMed ID: 30847666; Table S4, Verdonschot et al. 2020. PubMed ID: 32880476). This variant is reported in 0.016% of alleles in individuals of European (Non-Finnish) descent in gnomAD. At this time, the clinical significance of this variant is uncertain due to the absence of conclusive functional and genetic evidence.

Ambry Genetics
Classification: Uncertain significance for Cardiovascular phenotype. Last evaluated: 2025-09-18. Review status: criteria provided, single submitter. Criteria: Ambry Variant Classification Scheme 2023. Collection method: clinical testing. Allele origin: germline.
Comment: The p.R1116S variant (also known as c.3346C>A), located in coding exon 24 of the MYH6 gene, results from a C to A substitution at nucleotide position 3346. The arginine at codon 1116 is replaced by serine, an amino acid with dissimilar properties. This variant was reported in individual(s) with features consistent with atrial septal defect and cardiomyopathies (Granados-Riveron JT et al. Hum Mol Genet, 2010 Oct;19:4007-16; Lopes LR et al. Heart, 2015 Feb;101:294-301; van Lint FHM et al. Neth Heart J, 2019 Jun;27:304-309; Verdonschot JAJ et al. Circ Genom Precis Med, 2020 Oct;13:476-487). This amino acid position is highly conserved in available vertebrate species. In addition, this alteration is predicted to be deleterious by in silico analysis. Based on the available evidence, the clinical significance of this variant remains unclear.

Blueprint Genetics
Classification: Likely benign. Last evaluated: 2024-02-22. Review status: criteria provided, single submitter. Criteria: ACMG Guidelines, 2015. Collection method: clinical testing. Allele origin: germline.

GeneDx
Classification: Uncertain significance. Last evaluated: 2022-05-09. Review status: criteria provided, single submitter. Criteria: GeneDx Variant Classification Process June 2021. Collection method: clinical testing. Allele origin: germline. Affected: yes.
Comment: Reported in association with HCM, DCM and congenital heart defects (Lopes et al., 2015; Granados-Riveron et al., 2010; van Lint et al., 2019; Verdonschot et al., 2020); Also reported in one individual from a cohort of individuals not selected for cardiomyopathy, arrhythmia, or family history of sudden cardiac death, who underwent exome sequencing (Ng et al., 2013); In silico analysis supports that this missense variant has a deleterious effect on protein structure/function; This variant is associated with the following publications: (PMID: 25961035, 25351510, 25163546, 23861362, 20656787, 32880476, 30847666, 26582918)

Fulgent Genetics
Classification: Uncertain significance for Hypertrophic cardiomyopathy 1; Hypertrophic cardiomyopathy 14; Dilated cardiomyopathy 1EE; Atrial septal defect 3; Sick sinus syndrome 3, susceptibility to. Last evaluated: 2021-08-30. Review status: criteria provided, single submitter. Criteria: ACMG Guidelines, 2015. Collection method: clinical testing. Allele origin: unknown.

Cambridge Genomics Laboratory, East Genomic Laboratory Hub, NHS Genomic Medicine Service
Classification: Likely benign for Hypertrophic cardiomyopathy. Last evaluated: 2019-04-17. Review status: criteria provided, single submitter. Criteria: ACGS Best Practice Guidelines for Variant Classification in Rare Disease 2020. Collection method: clinical testing. Allele origin: germline. Affected: yes. Observed: 1 variant allele.

Biesecker Lab/Clinical Genomics Section, National Institutes of Health
Classification: Uncertain significance. Last evaluated: 2013-06-24. Review status: criteria provided, single submitter. Criteria: Ng et al. (Circ Cardiovasc Genet. 2013). Collection method: research. Allele origin: unknown. Observed: 1 variant allele. Study: ClinSeq.
Comment: The study set was not selected for affection status in relation to any cancer. Pathogenicity categories were based on literature curation. See Pubmed ID:23861362 for details.

Medical sequencing

Dr. Peter K. Rogan Lab, Western University
No classification provided (evidence only). Condition: Melanoma. Review status: no classification provided. Collection method: in vitro. Allele origin: not applicable. Functional consequence: retained intron. Not counted in ClinVar's aggregate classification.

Literature cited by the submitters: PubMed 20656787 (cited by Labcorp Genetics (formerly Invitae), Labcorp and Ambry Genetics); PubMed 30847666 (cited by Labcorp Genetics (formerly Invitae), Labcorp and Ambry Genetics); PubMed 32880476 (cited by Labcorp Genetics (formerly Invitae), Labcorp and Ambry Genetics); PubMed 23861362 (cited by Ambry Genetics); PubMed 25351510 (cited by Ambry Genetics).

NM_002471.4(MYH6):c.3346C>A (p.Arg1116Ser)

Gene: MYH6 (myosin heavy chain 6; minus strand). Cytogenetic location: 14q11.2.
Variant type: single nucleotide variant.
Coding change: c.3346C>A on transcript NM_002471.4 (MANE Select); coding-DNA position 3346, C replaced by A.
Protein change: p.Arg1116Ser; replaces arginine 1116 with serine.
Molecular consequence: missense variant.
Genome position (GRCh38, 1-based): chr14:23,390,443, G>T on the plus strand (C>A on the coding strand, the complement: MYH6 is on the minus strand). VCF-style: chr14-23390443-G-T. GRCh37 (hg19) VCF-style: chr14-23859652-G-T.
Other names: short protein forms R1116S.
Identifiers: ClinVar variation 191717 (VCV000191717.21), dbSNP rs372446459, ClinGen allele CA237360.